The following is an entry in ClinVar:

ClinVar aggregate classification (germline): Uncertain significance (1 of 4 stars; one submission).

Conditions:
Wiskott-Aldrich syndrome 2 (WAS2). Also called: WIPF1 DEFICIENCY. Identifiers: Orphanet 906, MedGen C3281001, MONDO:0013779, OMIM 614493.

Allele frequency attached by ClinVar (database versions not stated): ExAC 0.00001.

Submission:

Labcorp Genetics (formerly Invitae), Labcorp
Classification: Uncertain significance for Wiskott-Aldrich syndrome 2. Last evaluated: 2025-06-09. Review status: criteria provided, single submitter. Criteria: Invitae Variant Classification Sherloc (09022015). Collection method: clinical testing. Allele origin: germline.
Comment: This sequence change replaces glycine, which is neutral and non-polar, with alanine, which is neutral and non-polar, at codon 107 of the WIPF1 protein (p.Gly107Ala). This variant is present in population databases (rs773373271, gnomAD 0.004%). This variant has not been reported in the literature in individuals affected with WIPF1-related conditions. ClinVar contains an entry for this variant (Variation ID: 1350802). An algorithm developed to predict the effect of missense changes on protein structure and function (PolyPhen-2) suggests that this variant is likely to be disruptive. In summary, the available evidence is currently insufficient to determine the role of this variant in disease. Therefore, it has been classified as a Variant of Uncertain Significance.

NM_001375834.1(WIPF1):c.320G>C (p.Gly107Ala)

Genes: WIPF1 (WAS/WASL interacting protein family member 1; minus strand), WIPF1-AS1 (WIPF1 and CHRNA1 antisense RNA 1; plus strand). Cytogenetic location: 2q31.1.
Variant type: single nucleotide variant.
Coding change: c.320G>C on transcript NM_001375834.1 (MANE Select); coding-DNA position 320, G replaced by C.
Protein change: p.Gly107Ala; replaces glycine 107 with alanine.
Molecular consequence: missense variant. On other transcripts: intron variant (1).
Genome position (GRCh38, 1-based): chr2:174,575,242, C>G on the plus strand (G>C on the coding strand, the complement: WIPF1 is on the minus strand). VCF-style: chr2-174575242-C-G. GRCh37 (hg19) VCF-style: chr2-175439970-C-G.
Other names: c.320G>C, p.Gly107Ala (NM_001077269.1, NM_001375832.1, NM_001375833.1 and 5 more transcripts); c.182-2997G>C (NM_001375839.1); short protein forms G107A.
Identifiers: ClinVar variation 1350802 (VCV001350802.6), dbSNP rs773373271, ClinGen allele CA1974170.
Genomic context (GRCh38, chr2:174,575,242, plus strand): 5'-GAGACAGGGAAACTCTCCTTACCATTATCCCTGTTGGCCGTGGATCTCAGCTTCGGCATT[C>G]CAGCCTGGAACAATCCTCCCAGACCTGGAGGTCCGCCCCCTCCAAAACTTCCACCGCCTC-3'
Protein context (NP_001362763.1, residues 97-117): PPGLGGLFQA[Gly107Ala]MPKLRSTANR